The following is an entry in ClinVar:

NM_019066.5(MAGEL2):c.1690C>G (p.Pro564Ala)

Gene: MAGEL2 (MAGE family member L2; minus strand). Cytogenetic location: 15q11.2.
Variant type: single nucleotide variant.
Coding change: c.1690C>G on transcript NM_019066.5 (MANE Select); coding-DNA position 1690, C replaced by G.
Protein change: p.Pro564Ala; replaces proline 564 with alanine.
Molecular consequence: missense variant.
Genome position (GRCh38, 1-based): chr15:23,646,053, G>C on the plus strand (C>G on the coding strand, the complement: MAGEL2 is on the minus strand). VCF-style: chr15-23646053-G-C. GRCh37 (hg19) VCF-style: chr15-23891200-G-C.
Other names: c.1690C>G (NM_019066.4); short protein forms P564A.
Identifiers: ClinVar variation 1917119 (VCV001917119.6), dbSNP rs748940705, ClinGen allele CA7430033.
Genomic context (GRCh38, chr15:23,646,053, plus strand): 5'-AAGGGCAGTGCACAGCCTGCGGGGCAGACAGTGGGGCAGACAGCGGGGCCGGCAGCACAG[G>C]CTGGGGCACCTGCGGGCCAGCGGGCGGCGCCGCGGGTACCTGCGTAGCAGGTGGGGCCGT-3'
Protein context (NP_061939.3, residues 554-574): APPAGPQVPQ[Pro564Ala]VLPAPLSAPL

ClinVar aggregate classification (germline): Uncertain significance. Review status: criteria provided, multiple submitters, no conflicts (2 of 4 stars). 3 submissions from 3 submitters: Uncertain significance (3). Last evaluated 2025-06-25.

Conditions:
MAGEL2-related disorder. Also called: MAGEL2-related condition.

Allele frequency attached by ClinVar (database versions not stated): gnomAD 0.00001; TOPMed 0.00001.

Submissions (3):

PreventionGenetics, part of Exact Sciences
Classification: Uncertain significance for MAGEL2-related condition. Last evaluated: 2025-06-25. Review status: criteria provided, single submitter. Criteria: ACMG Guidelines, 2015. Collection method: clinical testing. Allele origin: germline.
Comment: The MAGEL2 c.1690C>G variant is predicted to result in the amino acid substitution p.Pro564Ala. This variant was reported in an individual with a clinical diagnosis of Schaaf-Yang syndrome; however no additional details were provided to assess its pathogenicity (figure 1, McCarthy et al. 2018. PubMed ID: 30302899). This variant is also reported in 0.019% of alleles in individuals of Latino descent in gnomAD, which is a frequency higher than other documented causative changes in this gene, calling its clinical significance into question. At this time, the clinical significance of this variant is uncertain due to the absence of conclusive functional and genetic evidence.

GeneDx
Classification: Uncertain significance. Last evaluated: 2024-11-17. Review status: criteria provided, single submitter. Criteria: GeneDx Variant Classification Process June 2021. Collection method: clinical testing. Allele origin: germline. Affected: yes.
Comment: Identified in a patient with a diagnosis of Schaaf-Yang syndrome, however detailed clinical information was not provided (PMID: 30302899); In silico analysis does not support a benign or deleterious effect of this variant on protein structure/function; This variant is associated with the following publications: (PMID: 36243518, 30302899)

Labcorp Genetics (formerly Invitae), Labcorp
Classification: Uncertain significance. Last evaluated: 2024-08-05. Review status: criteria provided, single submitter. Criteria: Invitae Variant Classification Sherloc (09022015). Collection method: clinical testing. Allele origin: germline.
Comment: This sequence change replaces proline, which is neutral and non-polar, with alanine, which is neutral and non-polar, at codon 564 of the MAGEL2 protein (p.Pro564Ala). This variant is present in population databases (rs748940705, gnomAD 0.01%). This missense change has been observed in individual(s) with MAGEL2-related conditions (PMID: 30302899). ClinVar contains an entry for this variant (Variation ID: 1917119). Advanced modeling of protein sequence and biophysical properties (such as structural, functional, and spatial information, amino acid conservation, physicochemical variation, residue mobility, and thermodynamic stability) performed at Invitae indicates that this missense variant is not expected to disrupt MAGEL2 protein function with a negative predictive value of 80%. In summary, the available evidence is currently insufficient to determine the role of this variant in disease. Therefore, it has been classified as a Variant of Uncertain Significance.

Literature cited by the submitters: PubMed 30302899 (cited by Labcorp Genetics (formerly Invitae), Labcorp).